The following is an entry in ClinVar:

ClinVar aggregate classification (germline): Uncertain significance. Review status: criteria provided, multiple submitters, no conflicts (2 of 4 stars). 4 submissions from 4 submitters: Uncertain significance (4). Last evaluated 2025-11-10.

Allele frequency attached by ClinVar (database versions not stated): ExAC 0.00003; TOPMed 0.00005; gnomAD 0.00006; 1000 Genomes Project 30x 0.00016; 1000 Genomes Project 0.00020.
gnomAD v4.1: 40 of 1,612,688 alleles (0.0025%); highest among the groups gnomAD compares: African/African-American, 0.011%; no homozygotes.

Submissions (4):

Labcorp Genetics (formerly Invitae), Labcorp
Classification: Uncertain significance. Last evaluated: 2025-11-10. Review status: criteria provided, single submitter. Criteria: Invitae Variant Classification Sherloc (09022015). Collection method: clinical testing. Allele origin: germline.
Comment: This sequence change replaces arginine, which is basic and polar, with histidine, which is basic and polar, at codon 1254 of the SBF1 protein (p.Arg1254His). This variant is present in population databases (rs557741633, gnomAD 0.008%). This variant has not been reported in the literature in individuals affected with SBF1-related conditions. ClinVar contains an entry for this variant (Variation ID: 2471502). Invitae Evidence Modeling of protein sequence and biophysical properties (such as structural, functional, and spatial information, amino acid conservation, physicochemical variation, residue mobility, and thermodynamic stability) indicates that this missense variant is not expected to disrupt SBF1 protein function with a negative predictive value of 80%. In summary, the available evidence is currently insufficient to determine the role of this variant in disease. Therefore, it has been classified as a Variant of Uncertain Significance.

Blueprint Genetics
Classification: Uncertain significance. Last evaluated: 2023-10-02. Review status: criteria provided, single submitter. Criteria: ACMG Guidelines, 2015. Collection method: clinical testing. Allele origin: germline.

Ambry Genetics
Classification: Uncertain significance. Last evaluated: 2023-02-28. Review status: criteria provided, single submitter. Criteria: Ambry Variant Classification Scheme 2023. Collection method: clinical testing. Allele origin: germline.

Mayo Clinic Laboratories, Mayo Clinic
Classification: Uncertain significance. Last evaluated: 2022-10-26. Review status: criteria provided, single submitter. Criteria: ACMG Guidelines, 2015. Collection method: clinical testing. Allele origin: germline. Observed: 1 variant allele.
Comment: BP4

NM_002972.4(SBF1):c.3761G>A (p.Arg1254His)

Gene: SBF1 (SET binding factor 1; minus strand). Cytogenetic location: 22q13.33.
Variant type: single nucleotide variant.
Coding change: c.3761G>A on transcript NM_002972.4 (MANE Select); coding-DNA position 3761, G replaced by A.
Protein change: p.Arg1254His; replaces arginine 1254 with histidine.
Molecular consequence: missense variant.
Genome position (GRCh38, 1-based): chr22:50,459,320, C>T on the plus strand (G>A on the coding strand, the complement: SBF1 is on the minus strand). VCF-style: chr22-50459320-C-T. GRCh37 (hg19) VCF-style: chr22-50897749-C-T.
Other names: p.Arg1254His; c.3764G>A, p.Arg1255His (NM_001365819.1, NM_001410794.1); c.3761G>A, p.Arg1254His (NM_001410795.1, NM_197971.1); c.3761G>A (NM_002972.3); short protein forms R1254H, R1255H.
Identifiers: ClinVar variation 2471502 (VCV002471502.5), dbSNP rs557741633, ClinGen allele CA10316581.